The following is an entry in ClinVar:

ClinVar aggregate classification (germline): Uncertain significance. Review status: criteria provided, multiple submitters, no conflicts (2 of 4 stars). 4 submissions from 4 submitters: Uncertain significance (4). Last evaluated 2025-12-10.

Conditions:
Hereditary cancer-predisposing syndrome. Also called: Hereditary neoplastic syndrome; Tumor predisposition; Neoplastic Syndromes, Hereditary; Hereditary Cancer Syndrome. Identifiers: Orphanet 140162, MedGen C0027672, MeSH D009386, MONDO:0015356.
Lynch syndrome. Identifiers: Orphanet 144, MedGen C4552100, MONDO:0005835. Disease mechanism: loss of function.
Hereditary nonpolyposis colorectal neoplasms. Identifiers: MedGen C0009405, MeSH D003123.

Allele frequency attached by ClinVar (database versions not stated): gnomAD exomes below 0.00001 and 0.00001; gnomAD 0.00001; TOPMed 0.00002.
gnomAD v4.1: 12 of 1,612,454 alleles (0.00074%); highest among the groups gnomAD compares: African/African-American, 0.0013%; no homozygotes.

Submissions (4):

Color Diagnostics, LLC DBA Color Health
Classification: Uncertain significance for Hereditary cancer-predisposing syndrome. Last evaluated: 2025-12-10. Review status: criteria provided, single submitter. Criteria: ACMG Guidelines, 2015. Collection method: clinical testing. Allele origin: germline.
Comment: This missense variant replaces lysine with asparagine at codon 651 of the PMS2 protein. Computational prediction suggests that this variant may not impact protein structure and function. To our knowledge, functional studies have not been reported for this variant. This variant has not been reported in individuals affected with PMS2-related disorders in the literature. This variant has been identified in 12/1612454 chromosomes in the general population by the Genome Aggregation Database (gnomAD). The available evidence is insufficient to determine the role of this variant in disease conclusively. Therefore, this variant is classified as a Variant of Uncertain Significance.

Labcorp Genetics (formerly Invitae), Labcorp
Classification: Uncertain significance for Hereditary nonpolyposis colorectal neoplasms. Last evaluated: 2024-11-26. Review status: criteria provided, single submitter. Criteria: Invitae Variant Classification Sherloc (09022015). Collection method: clinical testing. Allele origin: germline.
Comment: This sequence change replaces lysine, which is basic and polar, with asparagine, which is neutral and polar, at codon 651 of the PMS2 protein (p.Lys651Asn). This variant is present in population databases (no rsID available, gnomAD 0.0009%). This variant has not been reported in the literature in individuals affected with PMS2-related conditions. ClinVar contains an entry for this variant (Variation ID: 569742). Invitae Evidence Modeling incorporating data from in vitro experimental studies (internal data) indicates that this missense variant is not expected to disrupt PMS2 function with a negative predictive value of 95%. In summary, the available evidence is currently insufficient to determine the role of this variant in disease. Therefore, it has been classified as a Variant of Uncertain Significance.

All of Us Research Program, National Institutes of Health
Classification: Uncertain significance for Lynch syndrome. Last evaluated: 2024-02-05. Review status: criteria provided, single submitter. Criteria: ACMG Guidelines, 2015. Collection method: clinical testing. Allele origin: germline. Inheritance: Autosomal dominant inheritance. Observed: 4 variant alleles, 4 heterozygotes.
Comment: This missense variant replaces lysine with asparagine at codon 651 of the PMS2 protein. Computational prediction suggests that this variant may not impact protein structure and function (internally defined REVEL score threshold <= 0.5, PMID: 27666373). To our knowledge, functional studies have not been reported for this variant. This variant has not been reported in individuals affected with PMS2-related disorders in the literature. This variant has been identified in 1/250496 chromosomes in the general population by the Genome Aggregation Database (gnomAD). The available evidence is insufficient to determine the role of this variant in disease conclusively. Therefore, this variant is classified as a Variant of Uncertain Significance.

This study involves interpretation of variants in research participants for the purpose of population health screening. Participant phenotype was not available at the time of variant classification. Additional details can be found in publication PMID: 35346344, PMCID: PMC8962531

Ambry Genetics
Classification: Uncertain significance for Hereditary cancer-predisposing syndrome. Last evaluated: 2021-04-24. Review status: criteria provided, single submitter. Criteria: Ambry Variant Classification Scheme 2023. Collection method: clinical testing. Allele origin: germline.

NM_000535.7(PMS2):c.1953G>T (p.Lys651Asn)

Gene: PMS2 (PMS1 homolog 2, mismatch repair system component; minus strand). Cytogenetic location: 7p22.1.
Variant type: single nucleotide variant.
Coding change: c.1953G>T on transcript NM_000535.7 (MANE Select); coding-DNA position 1953, G replaced by T.
Protein change: p.Lys651Asn; replaces lysine 651 with asparagine.
Molecular consequence: missense variant. On other transcripts: non-coding transcript variant (1).
Genome position (GRCh38, 1-based): chr7:5,986,812, C>A on the plus strand (G>T on the coding strand, the complement: PMS2 is on the minus strand). VCF-style: chr7-5986812-C-A. GRCh37 (hg19) VCF-style: chr7-6026443-C-A.
Other names: c.1548G>T, p.Lys516Asn (NM_001322003.2, NM_001322004.2, NM_001322005.2 and 1 more transcripts); c.1797G>T, p.Lys599Asn (NM_001322006.2); c.1635G>T, p.Lys545Asn (NM_001322007.2, NM_001322008.2); c.1392G>T, p.Lys464Asn (NM_001322010.2); c.1020G>T, p.Lys340Asn (NM_001322011.2, NM_001322012.2); c.1380G>T, p.Lys460Asn (NM_001322013.2); c.1953G>T, p.Lys651Asn (NM_001322014.2); c.1644G>T, p.Lys548Asn (NM_001322015.2); short protein forms K651N, K599N, K460N, K340N, K464N, K516N, K545N, K548N.
Identifiers: ClinVar variation 569742 (VCV000569742.20), dbSNP rs1488971334, ClinGen allele CA366739097.